The following is an entry in ClinVar:

ClinVar aggregate classification (germline): Conflicting classifications of pathogenicity. Review status: criteria provided, conflicting classifications (1 of 4 stars). 3 submissions from 3 submitters: Uncertain significance (1); Benign (1); Likely benign (1). Last evaluated 2026-05-01.

Conditions:
Inborn genetic diseases. Identifiers: MedGen C0950123, MeSH D030342.

Allele frequency attached by ClinVar (database versions not stated): gnomAD exomes below 0.00001; gnomAD 0.00001; TOPMed 0.00001.
gnomAD v4.1: 6 of 1,613,980 alleles (0.00037%); highest among the groups gnomAD compares: Admixed American, 0.0033%; no homozygotes.

Submissions (3):

CeGaT Center for Human Genetics Tuebingen
Classification: Likely benign. Last evaluated: 2026-05-01. Review status: criteria provided, single submitter. Criteria: CeGaT Center For Human Genetics Tuebingen Variant Classification Criteria Version 2. Collection method: clinical testing. Allele origin: germline. Affected: yes. Observed: 1 variant allele.
Comment: SON: BP4

Labcorp Genetics (formerly Invitae), Labcorp
Classification: Benign. Last evaluated: 2023-12-11. Review status: criteria provided, single submitter. Criteria: Invitae Variant Classification Sherloc (09022015). Collection method: clinical testing. Allele origin: germline.

Ambry Genetics
Classification: Uncertain significance for Inborn genetic diseases. Last evaluated: 2022-06-17. Review status: criteria provided, single submitter. Criteria: Ambry Variant Classification Scheme 2023. Collection method: clinical testing. Allele origin: germline.

NM_138927.4(SON):c.5050C>T (p.Pro1684Ser)

Gene: SON (SON DNA and RNA binding protein; plus strand). Cytogenetic location: 21q22.11.
Variant type: single nucleotide variant.
Coding change: c.5050C>T on transcript NM_138927.4 (MANE Select); coding-DNA position 5050, C replaced by T.
Protein change: p.Pro1684Ser; replaces proline 1684 with serine.
Molecular consequence: missense variant. On other transcripts: non-coding transcript variant (1), intron variant (1).
Genome position (GRCh38, 1-based): chr21:33,554,281, C>T. VCF-style: chr21-33554281-C-T. GRCh37 (hg19) VCF-style: chr21-34926587-C-T.
Other names: c.5050C>T, p.Pro1684Ser (NM_001291411.2, NM_001412133.1, NM_032195.3 and 2 more transcripts); c.245-2875C>T (NM_001291412.3); short protein forms P1684S.
Identifiers: ClinVar variation 1930649 (VCV001930649.8), dbSNP rs2085900706, ClinGen allele CA410163952.
Genomic context (GRCh38, chr21:33,554,281, plus strand): 5'-ATTCATCTTGATTTACCATCTAATAATAACCTTGTTAGTAAGGATACAGAAGAACCATTA[C>T]CTGTAAAAGAGAGTGACCAGACATTAGCAGCTCTGCTCAGCCCTAAAGAAAGTAGTGGAG-3'
Protein context (NP_620305.3, residues 1674-1694): LVSKDTEEPL[Pro1684Ser]VKESDQTLAA